The following is an entry in ClinVar:

ClinVar aggregate classification (germline): Conflicting classifications of pathogenicity. Review status: criteria provided, conflicting classifications (1 of 4 stars). 2 submissions from 2 submitters: Uncertain significance (1); Likely benign (1). Last evaluated 2026-05-01.

Conditions:
Ullrich congenital muscular dystrophy 2 (UCMD2). Identifiers: Orphanet 75840, MedGen C4225314, MONDO:0014654, OMIM 616470.
Bethlem myopathy 2 (BTHLM2). Identifiers: Orphanet 536516, Orphanet 610, MedGen C4225313, MONDO:0034022, OMIM 616471.

gnomAD v4.1: 1 of 1,612,892 alleles (0.000062%); highest among the groups gnomAD compares: Non-Finnish European, 0.000085%; no homozygotes.

Submissions (2):

CeGaT Center for Human Genetics Tuebingen
Classification: Uncertain significance. Last evaluated: 2026-05-01. Review status: criteria provided, single submitter. Criteria: CeGaT Center For Human Genetics Tuebingen Variant Classification Criteria Version 2. Collection method: clinical testing. Allele origin: germline. Affected: yes. Observed: 1 variant allele.
Comment: COL12A1: PM2:Supporting, BP4

Labcorp Genetics (formerly Invitae), Labcorp
Classification: Likely benign for Bethlem myopathy 2; Ullrich congenital muscular dystrophy 2. Last evaluated: 2024-08-19. Review status: criteria provided, single submitter. Criteria: Invitae Variant Classification Sherloc (09022015). Collection method: clinical testing. Allele origin: germline.

NM_004370.6(COL12A1):c.6735A>G (p.Gly2245=)

Gene: COL12A1 (collagen type XII alpha 1 chain; minus strand). Cytogenetic location: 6q13.
Variant type: single nucleotide variant.
Coding change: c.6735A>G on transcript NM_004370.6 (MANE Select); coding-DNA position 6735, A replaced by G.
Protein change: p.Gly2245=; no amino-acid change (glycine 2245 retained).
Molecular consequence: synonymous variant.
Genome position (GRCh38, 1-based): chr6:75,124,084, T>C on the plus strand (A>G on the coding strand, the complement: COL12A1 is on the minus strand). VCF-style: chr6-75124084-T-C. GRCh37 (hg19) VCF-style: chr6-75833800-T-C.
Other names: c.6735A>G, p.Gly2245= (NM_001424113.1); c.6714A>G, p.Gly2238= (NM_001424114.1); c.6462A>G, p.Gly2154= (NM_001424115.1); c.3243A>G, p.Gly1081= (NM_001424116.1, NM_080645.3).
Identifiers: ClinVar variation 3757742 (VCV003757742.4).